The following is an entry in ClinVar:

ClinVar aggregate classification (germline): Likely benign (1 of 4 stars; one submission).

Allele frequency attached by ClinVar (database versions not stated): 1000 Genomes Project 0.00240; 1000 Genomes Project 30x 0.00250; gnomAD 0.00546.
gnomAD v4.1: 814 of 150,272 alleles (0.54%); highest among the groups gnomAD compares: Non-Finnish European, 0.86%; 4 homozygotes.

Submission:

CeGaT Center for Human Genetics Tuebingen
Classification: Likely benign. Last evaluated: 2023-06-01. Review status: criteria provided, single submitter. Criteria: CeGaT Center For Human Genetics Tuebingen Variant Classification Criteria Version 2. Collection method: clinical testing. Allele origin: germline. Affected: yes. Observed: 5 variant alleles.
Comment: SUN1: BS2

NM_001130965.3(SUN1):c.659-3458C>T

Gene: SUN1 (Sad1 and UNC84 domain containing 1; plus strand). Cytogenetic location: 7p22.3.
Variant type: single nucleotide variant.
Coding change: c.659-3458C>T on transcript NM_001130965.3 (MANE Select); 3458 bases into the intron before coding-DNA position 659, C replaced by T.
Molecular consequence: intron variant.
Genome position (GRCh38, 1-based): chr7:847,926, C>T. VCF-style: chr7-847926-C-T. GRCh37 (hg19) VCF-style: chr7-887563-C-T.
Other names: c.659-492C>T (NM_001367705.1, NM_001367703.1, NM_001367678.1 and 13 more transcripts); c.659-1594C>T (NM_001367697.1, NM_001367693.1, NM_001367643.1 and 3 more transcripts); c.659-1997C>T (NM_001367664.1, NM_001367685.1, NM_001367696.1 and 3 more transcripts); c.202-1997C>T (NM_001367635.1); c.659-3458C>T (NM_001367634.1, NM_001367633.1, NM_001367653.1 and 3 more transcripts); c.878-1594C>T (NM_001367651.1); c.686-3458C>T (NM_001367669.1); c.452-4024C>T (NM_001171944.2); and 9 more.
Identifiers: ClinVar variation 2657169 (VCV002657169.24), dbSNP rs148599760, ClinGen allele CA152407973.